The following is an entry in ClinVar:

ClinVar aggregate classification (germline): Uncertain significance. Review status: criteria provided, multiple submitters, no conflicts (2 of 4 stars). 3 submissions from 3 submitters: Uncertain significance (3). Last evaluated 2025-08-14.

Conditions:
Fanconi anemia complementation group J. Also called: BRIP1-Related Fanconi Anemia. Identifiers: Orphanet 84, MedGen C1836860, MONDO:0012187, OMIM 609054.
Familial cancer of breast. Also called: hereditary breast carcinoma; BREAST CANCER, FAMILIAL; Hereditary breast cancer. Identifiers: Orphanet 227535, MedGen C0346153, MONDO:0016419, OMIM 114480. Disease mechanism: loss of function.
Hereditary cancer-predisposing syndrome. Also called: Tumor predisposition; Hereditary Cancer Syndrome; Hereditary neoplastic syndrome; Neoplastic Syndromes, Hereditary. Identifiers: Orphanet 140162, MedGen C0027672, MeSH D009386, MONDO:0015356.

Allele frequency attached by ClinVar (database versions not stated): TOPMed below 0.00001.

Submissions (3):

Ambry Genetics
Classification: Uncertain significance for Hereditary cancer-predisposing syndrome. Last evaluated: 2025-08-14. Review status: criteria provided, single submitter. Criteria: Ambry Variant Classification Scheme 2023. Collection method: clinical testing. Allele origin: germline.
Comment: The p.I504M variant (also known as c.1512C>G), located in coding exon 10 of the BRIP1 gene, results from a C to G substitution at nucleotide position 1512. The isoleucine at codon 504 is replaced by methionine, an amino acid with highly similar properties. This amino acid position is poorly conserved in available vertebrate species. In addition, this alteration is predicted to be tolerated by in silico analysis. Since supporting evidence is limited at this time, the clinical significance of this alteration remains unclear.

Labcorp Genetics (formerly Invitae), Labcorp
Classification: Uncertain significance for Familial cancer of breast; Fanconi anemia complementation group J. Last evaluated: 2024-06-04. Review status: criteria provided, single submitter. Criteria: Invitae Variant Classification Sherloc (09022015). Collection method: clinical testing. Allele origin: germline.
Comment: This sequence change replaces isoleucine, which is neutral and non-polar, with methionine, which is neutral and non-polar, at codon 504 of the BRIP1 protein (p.Ile504Met). This variant is not present in population databases (gnomAD no frequency). This variant has not been reported in the literature in individuals affected with BRIP1-related conditions. ClinVar contains an entry for this variant (Variation ID: 233545). Advanced modeling of protein sequence and biophysical properties (such as structural, functional, and spatial information, amino acid conservation, physicochemical variation, residue mobility, and thermodynamic stability) performed at Invitae indicates that this missense variant is not expected to disrupt BRIP1 protein function with a negative predictive value of 80%. In summary, the available evidence is currently insufficient to determine the role of this variant in disease. Therefore, it has been classified as a Variant of Uncertain Significance.

GeneDx
Classification: Uncertain significance. Last evaluated: 2023-04-12. Review status: criteria provided, single submitter. Criteria: GeneDx Variant Classification Process June 2021. Collection method: clinical testing. Allele origin: germline. Affected: yes.
Comment: Not observed at significant frequency in large population cohorts (gnomAD); In silico analysis supports that this missense variant does not alter protein structure/function; Has not been previously published as pathogenic or benign to our knowledge

NM_032043.3(BRIP1):c.1512C>G (p.Ile504Met)

Gene: BRIP1 (BRCA1 interacting DNA helicase 1; minus strand). Cytogenetic location: 17q23.2.
Variant type: single nucleotide variant.
Coding change: c.1512C>G on transcript NM_032043.3 (MANE Select); coding-DNA position 1512, C replaced by G.
Protein change: p.Ile504Met; replaces isoleucine 504 with methionine.
Molecular consequence: missense variant.
Genome position (GRCh38, 1-based): chr17:61,784,386, G>C on the plus strand (C>G on the coding strand, the complement: BRIP1 is on the minus strand). VCF-style: chr17-61784386-G-C. GRCh37 (hg19) VCF-style: chr17-59861747-G-C.
Other names: short protein forms I504M.
Identifiers: ClinVar variation 233545 (VCV000233545.15), dbSNP rs876660478, ClinGen allele CA10580839.